The following is an entry in ClinVar:

ClinVar aggregate classification (germline): Likely pathogenic. Review status: criteria provided, single submitter (1 of 4 stars). 2 submissions from 2 submitters: Likely pathogenic (1). 1 of the submissions does not count toward it. Last evaluated 2020-02-25.

Conditions:
Spermatogenic failure 63 (SPGF63). Identifiers: MedGen C5562055, MONDO:0030515, OMIM 619689.
Spermatogenesis maturation arrest. Identifiers: MedGen C4477100, HP:0031038.

Submissions (2):

Institute of Reproductive and Stem Cell Engineering, Central South University
Classification: Likely pathogenic for Spermatogenesis maturation arrest. Last evaluated: 2020-02-25. Review status: criteria provided, single submitter. Criteria: Tu et al. (Fertil Steril. 2020). Collection method: research. Allele origin: germline. Inheritance: Autosomal recessive inheritance. Affected: yes. Observed: 2 variant alleles, 2 homozygotes. Clinical features observed: severe oligozoospermia.
Comment: A homozygous missense variant (NM_080746.3:c.A257C: p.H86P) in RPL10L was identified in the two affected brothers and shown to cosegregate with the severe oligozoospermia phenotype. The mutation was absent in public databases, including the 1000 Genomes Project and the Exome Aggregation Consortium. All queried databases predicted the mutation to be damaging, consistent with the fact that it decreased protein levels in vitro. Subsequent mutation screening identified three additional heterozygous RPL10L mutations in three of 414 subjects with oligo-/azoospermia, but no RPL10L mutations among 223 fertile subjects.

OMIM
Classification: Pathogenic for SPERMATOGENIC FAILURE 63 (1 family). Last evaluated: 2025-05-23. Review status: no assertion criteria provided. Collection method: literature only. Allele origin: germline. Not counted in ClinVar's aggregate classification.

Literature cited by the submitters: PubMed 32111475 (cited by OMIM).

NM_080746.3(RPL10L):c.257A>C (p.His86Pro)

Gene: RPL10L (ribosomal protein L10 like; minus strand). Cytogenetic location: 14q21.2.
Variant type: single nucleotide variant.
Coding change: c.257A>C on transcript NM_080746.3 (MANE Select); coding-DNA position 257, A replaced by C.
Protein change: p.His86Pro; replaces histidine 86 with proline.
Molecular consequence: missense variant.
Genome position (GRCh38, 1-based): chr14:46,651,480, T>G on the plus strand (A>C on the coding strand, the complement: RPL10L is on the minus strand). VCF-style: chr14-46651480-T-G. GRCh37 (hg19) VCF-style: chr14-47120683-T-G.
Other names: short protein forms H86P.
Identifiers: ClinVar variation 870124 (VCV000870124.5), dbSNP rs1883886214, ClinGen allele CA389744197.
Genomic context (GRCh38, chr14:46,651,480, plus strand): 5'-GCACAGGACAACATCTTGTTGATGCGGATGACATGGAAGGGATGGAGCCGCACTCGCATG[T>G]GAAAGCCATCTCTGCCACAACTTTTCACCATGTATTTGTTGGCACAAATACGGGCGGCCT-3'
Protein context (NP_542784.1, residues 76-96): MVKSCGRDGF[His86Pro]MRVRLHPFHV